The following is an entry in ClinVar:

ClinVar aggregate classification (germline): Uncertain significance (1 of 4 stars; one submission).

Submission:

GeneDx
Classification: Uncertain significance. Last evaluated: 2022-06-13. Review status: criteria provided, single submitter. Criteria: GeneDx Variant Classification Process June 2021. Collection method: clinical testing. Allele origin: germline. Affected: yes.
Comment: Not observed at significant frequency in large population cohorts (gnomAD); In silico analysis supports that this missense variant does not alter protein structure/function; Has not been previously published as pathogenic or benign to our knowledge

NM_005068.3(SIM1):c.392C>G (p.Ala131Gly)

Gene: SIM1 (SIM bHLH transcription factor 1; minus strand). Cytogenetic location: 6q16.3.
Variant type: single nucleotide variant.
Coding change: c.392C>G on transcript NM_005068.3 (MANE Select); coding-DNA position 392, C replaced by G.
Protein change: p.Ala131Gly; replaces alanine 131 with glycine.
Molecular consequence: missense variant.
Genome position (GRCh38, 1-based): chr6:100,449,656, G>C on the plus strand (C>G on the coding strand, the complement: SIM1 is on the minus strand). VCF-style: chr6-100449656-G-C. GRCh37 (hg19) VCF-style: chr6-100897532-G-C.
Other names: c.392C>G, p.Ala131Gly (NM_001374769.1); short protein forms A131G.
Identifiers: ClinVar variation 1804308 (VCV001804308.1), dbSNP rs2482140800, ClinGen allele CA365126739.